The following is an entry in ClinVar:

NM_080680.3(COL11A2):c.2126G>A (p.Gly709Glu)

Gene: COL11A2 (collagen type XI alpha 2 chain; minus strand). Cytogenetic location: 6p21.32.
Variant type: single nucleotide variant.
Coding change: c.2126G>A on transcript NM_080680.3 (MANE Select); coding-DNA position 2126, G replaced by A.
Protein change: p.Gly709Glu; replaces glycine 709 with glutamic acid.
Molecular consequence: missense variant.
Genome position (GRCh38, 1-based): chr6:33,176,476, C>T on the plus strand (G>A on the coding strand, the complement: COL11A2 is on the minus strand). VCF-style: chr6-33176476-C-T. GRCh37 (hg19) VCF-style: chr6-33144253-C-T.
Other names: c.1946G>A, p.Gly649Glu (NM_001424108.1); c.1280G>A, p.Gly427Glu (NM_001424109.1); c.1100G>A, p.Gly367Glu (NM_001424110.1, NM_001424111.1); c.80G>A, p.Gly27Glu (NM_001424112.1); c.1805G>A, p.Gly602Glu (NM_080679.3); c.1868G>A, p.Gly623Glu (NM_080681.3); short protein forms G27E, G709E, G427E, G623E, G649E, G367E, G602E.
Identifiers: ClinVar variation 3635256 (VCV003635256.2).

ClinVar aggregate classification (germline): Uncertain significance (1 of 4 stars; one submission).

gnomAD v4.1: 1 of 1,612,216 alleles (0.000062%); highest among the groups gnomAD compares: Non-Finnish European, 0.000085%; no homozygotes.

Submission:

Labcorp Genetics (formerly Invitae), Labcorp
Classification: Uncertain significance. Last evaluated: 2024-02-14. Review status: criteria provided, single submitter. Criteria: Invitae Variant Classification Sherloc (09022015). Collection method: clinical testing. Allele origin: germline.
Comment: This sequence change replaces glycine, which is neutral and non-polar, with glutamic acid, which is acidic and polar, at codon 709 of the COL11A2 protein (p.Gly709Glu). This variant is not present in population databases (gnomAD no frequency). This variant has not been reported in the literature in individuals affected with COL11A2-related conditions. Advanced modeling of protein sequence and biophysical properties (such as structural, functional, and spatial information, amino acid conservation, physicochemical variation, residue mobility, and thermodynamic stability) performed at Invitae indicates that this missense variant is expected to disrupt COL11A2 protein function with a positive predictive value of 95%. In summary, the available evidence is currently insufficient to determine the role of this variant in disease. Therefore, it has been classified as a Variant of Uncertain Significance.